The following is an entry in ClinVar:

ClinVar aggregate classification (germline): Uncertain significance (1 of 4 stars; one submission).

Conditions:
Autosomal dominant Parkinson disease 8. Also called: Parkinson disease 8, susceptibility to; LRRK2-Related Parkinson Disease; Parkinson disease 8. Identifiers: Orphanet 411602, MedGen C1846862, MONDO:0011764, OMIM 607060.

Submission:

Labcorp Genetics (formerly Invitae), Labcorp
Classification: Uncertain significance for Autosomal dominant Parkinson disease 8. Last evaluated: 2022-09-02. Review status: criteria provided, single submitter. Criteria: Invitae Variant Classification Sherloc (09022015). Collection method: clinical testing. Allele origin: germline.
Comment: In summary, the available evidence is currently insufficient to determine the role of this variant in disease. Therefore, it has been classified as a Variant of Uncertain Significance. Algorithms developed to predict the effect of missense changes on protein structure and function are either unavailable or do not agree on the potential impact of this missense change (SIFT: "Deleterious"; PolyPhen-2: "Benign"; Align-GVGD: "Class C0"). This variant has not been reported in the literature in individuals affected with LRRK2-related conditions. This variant is not present in population databases (gnomAD no frequency). This sequence change replaces isoleucine, which is neutral and non-polar, with asparagine, which is neutral and polar, at codon 2498 of the LRRK2 protein (p.Ile2498Asn).

NM_198578.4(LRRK2):c.7493T>A (p.Ile2498Asn)

Gene: LRRK2 (leucine rich repeat kinase 2; plus strand). Cytogenetic location: 12q12.
Variant type: single nucleotide variant.
Coding change: c.7493T>A on transcript NM_198578.4 (MANE Select); coding-DNA position 7493, T replaced by A.
Protein change: p.Ile2498Asn; replaces isoleucine 2498 with asparagine.
Molecular consequence: missense variant.
Genome position (GRCh38, 1-based): chr12:40,367,674, T>A. VCF-style: chr12-40367674-T-A. GRCh37 (hg19) VCF-style: chr12-40761476-T-A.
Other names: short protein forms I2498N.
Identifiers: ClinVar variation 1717201 (VCV001717201.5), dbSNP rs2500065747, ClinGen allele CA384416083.